The following is an entry in ClinVar:

ClinVar aggregate classification (germline): Uncertain significance (1 of 4 stars; one submission).

Allele frequency attached by ClinVar (database versions not stated): gnomAD exomes 0.00001.
gnomAD v4.1: 3 of 1,567,032 alleles (0.00019%); highest among the groups gnomAD compares: Admixed American, 0.0038%; no homozygotes.

Submission:

Labcorp Genetics (formerly Invitae), Labcorp
Classification: Uncertain significance. Last evaluated: 2025-02-12. Review status: criteria provided, single submitter. Criteria: Invitae Variant Classification Sherloc (09022015). Collection method: clinical testing. Allele origin: germline.
Comment: This sequence change replaces proline, which is neutral and non-polar, with serine, which is neutral and polar, at codon 893 of the COL18A1 protein (p.Pro893Ser). The frequency data for this variant in the population databases is considered unreliable, as metrics indicate poor data quality at this position in the gnomAD database. This variant has not been reported in the literature in individuals affected with COL18A1-related conditions. ClinVar contains an entry for this variant (Variation ID: 1525180). Experimental studies and prediction algorithms are not available or were not evaluated, and the functional significance of this variant is currently unknown. In summary, the available evidence is currently insufficient to determine the role of this variant in disease. Therefore, it has been classified as a Variant of Uncertain Significance.

NM_001379500.1(COL18A1):c.2677C>T (p.Pro893Ser)

Gene: COL18A1 (collagen type XVIII alpha 1 chain; plus strand). Cytogenetic location: 21q22.3.
Variant type: single nucleotide variant.
Coding change: c.2677C>T on transcript NM_001379500.1 (MANE Select); coding-DNA position 2677, C replaced by T.
Protein change: p.Pro893Ser; replaces proline 893 with serine.
Molecular consequence: missense variant.
Genome position (GRCh38, 1-based): chr21:45,497,655, C>T. VCF-style: chr21-45497655-C-T. GRCh37 (hg19) VCF-style: chr21-46917569-C-T.
Other names: c.3217C>T, p.Pro1073Ser (NM_030582.4); c.3922C>T, p.Pro1308Ser (NM_130444.3); short protein forms P893S, P1073S, P1308S.
Identifiers: ClinVar variation 1525180 (VCV001525180.5), dbSNP rs1174405532, ClinGen allele CA410498242.